The following is an entry in ClinVar:

ClinVar aggregate classification (germline): Benign (1 of 4 stars; one submission).

Conditions:
Lafora disease. Also called: Epilepsy progressive myoclonic 2. Identifiers: Orphanet 501, MedGen C0751783, MONDO:0009697.

Allele frequency attached by ClinVar (database versions not stated): gnomAD exomes 0.02611; gnomAD 0.08249 and 0.08640; 1000 Genomes Project 0.08506; 1000 Genomes Project 30x 0.08838; TOPMed 0.09006.
gnomAD v4.1: 12,511 of 153,632 alleles (8.1%); highest among the groups gnomAD compares: African/African-American, 19%; 852 homozygotes.

Submission:

Illumina Laboratory Services, Illumina
Classification: Benign for Myoclonic epilepsy of Lafora 1. Last evaluated: 2018-01-13. Review status: criteria provided, single submitter. Criteria: ICSL Variant Classification Criteria 13 December 2019. Collection method: clinical testing. Allele origin: germline.
Comment: This variant was observed in the ICSL laboratory as part of a predisposition screen in an ostensibly healthy population. It had not been previously curated by ICSL or reported in the Human Gene Mutation Database (HGMD: prior to June 1st, 2018), and was therefore a candidate for classification through an automated scoring system. Utilizing variant allele frequency, disease prevalence and penetrance estimates, and inheritance mode, an automated score was calculated to assess if this variant is too frequent to cause the disease. Based on the score and internal cut-off values, a variant classified as benign is not then subjected to further curation. The score for this variant resulted in a classification of benign for this disease.

NM_198586.3(NHLRC1):c.*621T>A

Gene: NHLRC1 (NHL repeat containing E3 ubiquitin protein ligase 1; minus strand). Cytogenetic location: 6p22.3.
Variant type: single nucleotide variant.
Coding change: c.*621T>A on transcript NM_198586.3 (MANE Select); 621 bases downstream of the stop codon, T replaced by A.
Molecular consequence: 3 prime UTR variant.
Genome position (GRCh38, 1-based): chr6:18,120,798, A>T on the plus strand (T>A on the coding strand, the complement: NHLRC1 is on the minus strand). VCF-style: chr6-18120798-A-T. GRCh37 (hg19) VCF-style: chr6-18121029-A-T.
Identifiers: ClinVar variation 356063 (VCV000356063.5), dbSNP rs10949481, ClinGen allele CA10626300.